The following is an entry in ClinVar:

ClinVar aggregate classification (germline): Uncertain significance (1 of 4 stars; one submission).

Submission:

Labcorp Genetics (formerly Invitae), Labcorp
Classification: Uncertain significance. Last evaluated: 2022-05-07. Review status: criteria provided, single submitter. Criteria: Invitae Variant Classification Sherloc (09022015). Collection method: clinical testing. Allele origin: germline.
Comment: This sequence change replaces proline, which is neutral and non-polar, with histidine, which is basic and polar, at codon 245 of the KLHL3 protein (p.Pro245His). In summary, the available evidence is currently insufficient to determine the role of this variant in disease. Therefore, it has been classified as a Variant of Uncertain Significance. Algorithms developed to predict the effect of missense changes on protein structure and function are either unavailable or do not agree on the potential impact of this missense change (SIFT: "Deleterious"; PolyPhen-2: "Possibly Damaging"; Align-GVGD: "Class C15"). This variant has not been reported in the literature in individuals affected with KLHL3-related conditions. This variant is not present in population databases (gnomAD no frequency).

NM_017415.3(KLHL3):c.734C>A (p.Pro245His)

Gene: KLHL3 (kelch like family member 3; minus strand). Cytogenetic location: 5q31.2.
Variant type: single nucleotide variant.
Coding change: c.734C>A on transcript NM_017415.3 (MANE Select); coding-DNA position 734, C replaced by A.
Protein change: p.Pro245His; replaces proline 245 with histidine.
Molecular consequence: missense variant.
Genome position (GRCh38, 1-based): chr5:137,661,934, G>T on the plus strand (C>A on the coding strand, the complement: KLHL3 is on the minus strand). VCF-style: chr5-137661934-G-T. GRCh37 (hg19) VCF-style: chr5-136997623-G-T.
Other names: c.638C>A, p.Pro213His (NM_001257194.1); c.488C>A, p.Pro163His (NM_001257195.2); short protein forms P163H, P213H, P245H.
Identifiers: ClinVar variation 2135037 (VCV002135037.4), dbSNP rs758993224, ClinGen allele CA361052399.